The following is an entry in ClinVar:

NM_015910.7(WDPCP):c.1748+18303T>G

Gene: WDPCP (WD repeat containing planar cell polarity effector; minus strand). Cytogenetic location: 2p15.
Variant type: single nucleotide variant.
Coding change: c.1748+18303T>G on transcript NM_015910.7 (MANE Select); 18303 bases into the intron after coding-DNA position 1748, T replaced by G.
Molecular consequence: intron variant.
Genome position (GRCh38, 1-based): chr2:63,360,083, A>C on the plus strand (T>G on the coding strand, the complement: WDPCP is on the minus strand). VCF-style: chr2-63360083-A-C. GRCh37 (hg19) VCF-style: chr2-63587218-A-C.
Other names: c.1676+18303T>G (NM_001354044.2); c.1271+18303T>G (NM_001042692.3); c.1749-7T>G (NM_001354045.2).
Identifiers: ClinVar variation 3350598 (VCV003350598.1).

ClinVar aggregate classification (germline): Likely benign (0 of 4 stars; one submission).

Conditions:
WDPCP-related disorder. Also called: WDPCP-related condition.

gnomAD v4.1: 4 of 152,390 alleles (0.0026%); highest among the groups gnomAD compares: Admixed American, 0.0065%; no homozygotes.

Submission:

PreventionGenetics, part of Exact Sciences
Classification: Likely benign for WDPCP-related condition. Last evaluated: 2022-04-29. Review status: no assertion criteria provided. Collection method: clinical testing. Allele origin: germline.
Comment: This variant is classified as likely benign based on ACMG/AMP sequence variant interpretation guidelines (Richards et al. 2015 PMID: 25741868, with internal and published modifications).